The following is an entry in ClinVar:

ClinVar aggregate classification (germline): Uncertain significance. Review status: criteria provided, multiple submitters, no conflicts (2 of 4 stars). 2 submissions from 2 submitters: Uncertain significance (2). Last evaluated 2024-12-15.

Conditions:
Hereditary cancer-predisposing syndrome. Also called: Hereditary Cancer Syndrome; Tumor predisposition; Neoplastic Syndromes, Hereditary; Hereditary neoplastic syndrome. Identifiers: Orphanet 140162, MedGen C0027672, MeSH D009386, MONDO:0015356.
Rhabdoid tumor predisposition syndrome 2 (RTPS2). Identifiers: Orphanet 231108, Orphanet 69077, MedGen C2750074, MONDO:0013224, OMIM 613325.

Allele frequency attached by ClinVar (database versions not stated): gnomAD exomes below 0.00001.
gnomAD v4.1: 1 of 1,613,378 alleles (0.000062%); highest among the groups gnomAD compares: Non-Finnish European, 0.000085%; no homozygotes.

Submissions (2):

Labcorp Genetics (formerly Invitae), Labcorp
Classification: Uncertain significance for Rhabdoid tumor predisposition syndrome 2. Last evaluated: 2024-12-15. Review status: criteria provided, single submitter. Criteria: Invitae Variant Classification Sherloc (09022015). Collection method: clinical testing. Allele origin: germline.
Comment: This sequence change replaces arginine, which is basic and polar, with glutamine, which is neutral and polar, at codon 849 of the SMARCA4 protein (p.Arg849Gln). This variant is not present in population databases (gnomAD no frequency). This variant has not been reported in the literature in individuals affected with SMARCA4-related conditions. ClinVar contains an entry for this variant (Variation ID: 1015323). Invitae Evidence Modeling of protein sequence and biophysical properties (such as structural, functional, and spatial information, amino acid conservation, physicochemical variation, residue mobility, and thermodynamic stability) indicates that this missense variant is expected to disrupt SMARCA4 protein function with a positive predictive value of 80%. In summary, the available evidence is currently insufficient to determine the role of this variant in disease. Therefore, it has been classified as a Variant of Uncertain Significance.

Ambry Genetics
Classification: Uncertain significance for Hereditary cancer-predisposing syndrome. Last evaluated: 2015-08-21. Review status: criteria provided, single submitter. Criteria: Ambry Variant Classification Scheme 2023. Collection method: clinical testing. Allele origin: germline.
Comment: The p.R849Q variant (also known as c.2546G>A), located in coding exon 17 of the SMARCA4 gene, results from a G to A substitution at nucleotide position 2546. The arginine at codon 849 is replaced by glutamine, an amino acid with highly similar properties. This variant was not reported in population based cohorts in the following databases: Database of Single Nucleotide Polymorphisms (dbSNP), NHLBI Exome Sequencing Project (ESP), and 1000 Genomes Project. In the ESP, this variant was not observed in 6503 samples (13006 alleles) with coverage at this position. This amino acid position is highly conserved in available vertebrate species. In addition, the in silico prediction for this alteration is inconclusive. Since supporting evidence is limited at this time, the clinical significance of p.R849Q remains unclear.

NM_003072.5(SMARCA4):c.2546G>A (p.Arg849Gln)

Gene: SMARCA4 (SWI/SNF related BAF chromatin remodeling complex subunit ATPase 4; plus strand). Cytogenetic location: 19p13.2.
Variant type: single nucleotide variant.
Coding change: c.2546G>A on transcript NM_003072.5 (MANE Select); coding-DNA position 2546, G replaced by A.
Protein change: p.Arg849Gln; replaces arginine 849 with glutamine.
Molecular consequence: missense variant. On other transcripts: non-coding transcript variant (1).
Genome position (GRCh38, 1-based): chr19:11,019,631, G>A. VCF-style: chr19-11019631-G-A. GRCh37 (hg19) VCF-style: chr19-11130307-G-A.
Other names: c.2546G>A, p.Arg849Gln (NM_001128844.3, NM_001128845.2, NM_001128846.2 and 4 more transcripts); short protein forms R849Q.
Identifiers: ClinVar variation 1015323 (VCV001015323.11), dbSNP rs1213692147, ClinGen allele CA404054451.
Genomic context (GRCh38, chr19:11,019,631, plus strand): 5'-GCATCCTGCTTCCCTTGCAGGGATCCCCAGCAGCAAGACGGGCCTTTGTCCCCCAGCTCC[G>A]GAGTGGGAAGTTCAACGTCTTGCTGACGACGTACGAGTACATCATCAAAGACAAGCACAT-3'
Protein context (NP_003063.2, residues 839-859): AARRAFVPQL[Arg849Gln]SGKFNVLLTT